The following is an entry in ClinVar:

NM_024753.5(TTC21B):c.2471T>G (p.Leu824Arg)

Gene: TTC21B (tetratricopeptide repeat domain 21B; minus strand). Cytogenetic location: 2q24.3.
Variant type: single nucleotide variant.
Coding change: c.2471T>G on transcript NM_024753.5 (MANE Select); coding-DNA position 2471, T replaced by G.
Protein change: p.Leu824Arg; replaces leucine 824 with arginine.
Molecular consequence: missense variant.
Genome position (GRCh38, 1-based): chr2:165,907,775, A>C on the plus strand (T>G on the coding strand, the complement: TTC21B is on the minus strand). VCF-style: chr2-165907775-A-C. GRCh37 (hg19) VCF-style: chr2-166764285-A-C.
Other names: c.2471T>G (NM_024753.4); short protein forms L824R.
Identifiers: ClinVar variation 2157141 (VCV002157141.4), dbSNP rs1007975630, ClinGen allele CA59792854.

ClinVar aggregate classification (germline): Uncertain significance. Review status: criteria provided, multiple submitters, no conflicts (2 of 4 stars). 2 submissions from 2 submitters: Uncertain significance (2). Last evaluated 2026-06-17.

Conditions:
TTC21B-related disorder. Also called: TTC21B-related condition; TTC21B-related disorders.
Jeune thoracic dystrophy. Also called: Short-rib thoracic dysplasia; Jeune syndrome; Infantile thoracic dystrophy; Thoracic pelvic phalangeal dystrophy; Jeune's syndrome; Chondroectodermal dysplasia-like syndrome. Identifiers: Orphanet 474, MedGen C0265275, MONDO:0018770.
Nephronophthisis. Also called: Juvenile Nephronophthisis. Identifiers: Orphanet 655, MedGen C0687120, MONDO:0019005, HP:0000090.

gnomAD v4.1: 10 of 1,608,360 alleles (0.00062%); highest among the groups gnomAD compares: Non-Finnish European, 0.00085%; 1 homozygote.

Submissions (2):

PreventionGenetics, part of Exact Sciences
Classification: Uncertain significance for TTC21B-related condition. Last evaluated: 2026-06-17. Review status: criteria provided, single submitter. Criteria: ACMG Guidelines, 2015. Collection method: clinical testing. Allele origin: germline.
Comment: The TTC21B c.2471T>G variant is predicted to result in the amino acid substitution p.Leu824Arg. To our knowledge, this variant has not been reported in the literature or in a large population database (gnomAD), indicating this variant is rare. At this time, the clinical significance of this variant is uncertain due to the absence of conclusive functional and genetic evidence.

Labcorp Genetics (formerly Invitae), Labcorp
Classification: Uncertain significance for Jeune thoracic dystrophy; Nephronophthisis. Last evaluated: 2022-10-14. Review status: criteria provided, single submitter. Criteria: Invitae Variant Classification Sherloc (09022015). Collection method: clinical testing. Allele origin: germline.
Comment: In summary, the available evidence is currently insufficient to determine the role of this variant in disease. Therefore, it has been classified as a Variant of Uncertain Significance. Advanced modeling of protein sequence and biophysical properties (such as structural, functional, and spatial information, amino acid conservation, physicochemical variation, residue mobility, and thermodynamic stability) has been performed at Invitae for this missense variant, however the output from this modeling did not meet the statistical confidence thresholds required to predict the impact of this variant on TTC21B protein function. This variant has not been reported in the literature in individuals affected with TTC21B-related conditions. This variant is not present in population databases (gnomAD no frequency). This sequence change replaces leucine, which is neutral and non-polar, with arginine, which is basic and polar, at codon 824 of the TTC21B protein (p.Leu824Arg).